The following is an entry in ClinVar:

ClinVar aggregate classification (germline): Likely pathogenic (1 of 4 stars; one submission).

Conditions:
Cohen syndrome (COH1). Also called: PEPPER SYNDROME; Cutis verticis gyrata, retinitis pigmentosa, and sensorineural deafness. Identifiers: Orphanet 193, MedGen C0265223, MONDO:0008999, OMIM 216550.

Submission:

Natera, Inc.
Classification: Likely pathogenic for Cohen syndrome. Last evaluated: 2025-12-29. Review status: criteria provided, single submitter. Criteria: Natera Variant Classification Schema (03/2026). Collection method: clinical testing. Allele origin: germline.
Comment: The c.6430_6431del variant in VPS13B is a frameshift variant predicted to shift the reading frame beginning at codon 2144 and leads to a stop codon 24 codons downstream. This variant is expected to result in nonsense mediated decay, truncation, or a dysfunctional protein product. This variant is rare in the general population with a frequency below the threshold expected for the associated phenotype(s). Given the available evidence, this variant is classified as Likely Pathogenic.

NM_152564.5(VPS13B):c.6355_6356del (p.Ser2119fs)

Gene: VPS13B (vacuolar protein sorting 13 homolog B; plus strand). Cytogenetic location: 8q22.2.
Variant type: Microsatellite.
Coding change: c.6355_6356del on transcript NM_152564.5 (MANE Select); coding-DNA positions 6355 to 6356, 2 bases deleted (TC; older notation c.6355_6356delTC).
Protein change: p.Ser2119fs; shifts the reading frame from serine 2119.
Molecular consequence: frameshift variant.
Genome position (GRCh38, 1-based): chr8:99,699,833-99,699,834, TC deleted; deleting any 2 consecutive bases within chr8:99,699,831-99,699,834 gives the same sequence; the c. name uses the placement nearest the transcript's 3' end. VCF-style (leftmost placement, unchanged base first): chr8-99699830-ATC-A. GRCh37 (hg19) VCF-style: chr8-100712058-ATC-A.
Other names: c.6428_6429TC[1], p.Ser2144Hisfs (NM_017890.4); c.6430_6431del, p.Ser2144fs (NM_017890.5); c.6430_6431del (NM_017890.4); short protein forms S2119fs, S2144fs.
Identifiers: ClinVar variation 4815965 (VCV004815965.1).